The following is an entry in ClinVar:

NM_001171.6(ABCC6):c.794+1G>A

Gene: ABCC6 (ATP binding cassette subfamily C member 6; minus strand). Cytogenetic location: 16p13.11.
Variant type: single nucleotide variant.
Coding change: c.794+1G>A on transcript NM_001171.6 (MANE Select); the canonical splice donor site of the intron after coding-DNA position 794, G replaced by A.
Molecular consequence: splice donor variant.
Genome position (GRCh38, 1-based): chr16:16,208,727, C>T on the plus strand (G>A on the coding strand, the complement: ABCC6 is on the minus strand). VCF-style: chr16-16208727-C-T. GRCh37 (hg19) VCF-style: chr16-16302584-C-T.
Other names: c.452+1G>A (NM_001351800.1).
Identifiers: ClinVar variation 3342604 (VCV003342604.1).

ClinVar aggregate classification (germline): Likely pathogenic (1 of 4 stars; one submission).

gnomAD v4.1: 1 of 1,613,500 alleles (0.000062%); highest among the groups gnomAD compares: Non-Finnish European, 0.000085%; no homozygotes.

Submission:

GeneDx
Classification: Likely pathogenic. Last evaluated: 2023-10-19. Review status: criteria provided, single submitter. Criteria: GeneDx Variant Classification Process June 2021. Collection method: clinical testing. Allele origin: germline. Affected: yes.
Comment: Identified with a second ABCC6 variant in an individual with pseudoxanthoma elasticum (PMID: 22277295); Canonical splice site variant predicted to result in an in-frame loss of the adjacent exon in a gene for which loss of function is a known mechanism of disease; Not observed at significant frequency in large population cohorts (gnomAD); This variant is associated with the following publications: (PMID: 22277295, 34205333)